The following is an entry in ClinVar:

NM_020964.3(EPG5):c.4979A>G (p.Gln1660Arg)

Gene: EPG5 (ectopic P-granules 5 autophagy tethering factor; minus strand). Cytogenetic location: 18q12.3.
Variant type: single nucleotide variant.
Coding change: c.4979A>G on transcript NM_020964.3 (MANE Select); coding-DNA position 4979, A replaced by G.
Protein change: p.Gln1660Arg; replaces glutamine 1660 with arginine.
Molecular consequence: missense variant.
Genome position (GRCh38, 1-based): chr18:45,887,881, T>C on the plus strand (A>G on the coding strand, the complement: EPG5 is on the minus strand). VCF-style: chr18-45887881-T-C. GRCh37 (hg19) VCF-style: chr18-43467846-T-C.
Other names: c.4979A>G, p.Gln1660Arg (NM_001410858.1, NM_001410859.1); short protein forms Q1660R.
Identifiers: ClinVar variation 1975060 (VCV001975060.5), dbSNP rs2511626409, ClinGen allele CA402346493.

ClinVar aggregate classification (germline): Uncertain significance (1 of 4 stars; one submission).

Conditions:
Vici syndrome (VICIS). Identifiers: Orphanet 1493, MedGen C1855772, MONDO:0009452, OMIM 242840.

Submission:

Labcorp Genetics (formerly Invitae), Labcorp
Classification: Uncertain significance for Vici syndrome. Last evaluated: 2022-07-29. Review status: criteria provided, single submitter. Criteria: Invitae Variant Classification Sherloc (09022015). Collection method: clinical testing. Allele origin: germline.
Comment: This sequence change replaces glutamine, which is neutral and polar, with arginine, which is basic and polar, at codon 1660 of the EPG5 protein (p.Gln1660Arg). This variant is not present in population databases (gnomAD no frequency). This variant has not been reported in the literature in individuals affected with EPG5-related conditions. Algorithms developed to predict the effect of missense changes on protein structure and function are either unavailable or do not agree on the potential impact of this missense change (SIFT: "Tolerated"; PolyPhen-2: "Possibly Damaging"; Align-GVGD: "Class C0"). In summary, the available evidence is currently insufficient to determine the role of this variant in disease. Therefore, it has been classified as a Variant of Uncertain Significance.